The following is an entry in ClinVar:

ClinVar aggregate classification (germline): Uncertain significance. Review status: criteria provided, single submitter (1 of 4 stars). 2 submissions from 2 submitters: Uncertain significance (1). 1 of the submissions does not count toward it. Last evaluated 2023-06-29.

Conditions:
Inborn genetic diseases. Identifiers: MedGen C0950123, MeSH D030342.
AUTS2-related disorder. Also called: AUTS2-related condition.

Allele frequency attached by ClinVar (database versions not stated): gnomAD exomes below 0.00001; gnomAD 0.00001; TOPMed 0.00001.
gnomAD v4.1: 2 of 1,369,464 alleles (0.00015%); highest among the groups gnomAD compares: East Asian, 0.0031%; no homozygotes.

Submissions (2):

Ambry Genetics
Classification: Uncertain significance for Inborn genetic diseases. Last evaluated: 2023-06-29. Review status: criteria provided, single submitter. Criteria: Ambry Variant Classification Scheme 2023. Collection method: clinical testing. Allele origin: germline.

PreventionGenetics, part of Exact Sciences
Classification: Uncertain significance for AUTS2-related condition. Last evaluated: 2024-04-16. Review status: no assertion criteria provided. Collection method: clinical testing. Allele origin: germline. Not counted in ClinVar's aggregate classification.
Comment: The AUTS2 c.106G>C variant is predicted to result in the amino acid substitution p.Gly36Arg. To our knowledge, this variant has not been reported in the literature or in a large population database, indicating this variant is rare. At this time, the clinical significance of this variant is uncertain due to the absence of conclusive functional and genetic evidence.

NM_015570.4(AUTS2):c.106G>C (p.Gly36Arg)

Genes: AUTS2 (activator of transcription and developmental regulator AUTS2; plus strand), LOC129998550 (ATAC-STARR-seq lymphoblastoid silent region 18224; plus strand). Cytogenetic location: 7q11.22.
Variant type: single nucleotide variant.
Coding change: c.106G>C on transcript NM_015570.4 (MANE Select); coding-DNA position 106, G replaced by C.
Protein change: p.Gly36Arg; replaces glycine 36 with arginine.
Molecular consequence: missense variant.
Genome position (GRCh38, 1-based): chr7:69,599,759, G>C. VCF-style: chr7-69599759-G-C. GRCh37 (hg19) VCF-style: chr7-69064745-G-C.
Other names: c.106G>C (NM_015570.3); c.106G>C, p.Gly36Arg (NM_001127231.3, NM_001127232.3); short protein forms G36R.
Identifiers: ClinVar variation 2608320 (VCV002608320.3), dbSNP rs934214411, ClinGen allele CA160529078.